The following is an entry in ClinVar:

NM_003269.5(NR2E1):c.25+1341A>T

Gene: NR2E1 (nuclear receptor subfamily 2 group E member 1; plus strand). Cytogenetic location: 6q21.
Variant type: single nucleotide variant.
Coding change: c.25+1341A>T on transcript NM_003269.5 (MANE Select); 1341 bases into the intron after coding-DNA position 25, A replaced by T.
Molecular consequence: intron variant. On other transcripts: synonymous variant (1).
Genome position (GRCh38, 1-based): chr6:108,168,131, A>T. VCF-style: chr6-108168131-A-T. GRCh37 (hg19) VCF-style: chr6-108489335-A-T.
Other names: c.105A>T, p.Leu35= (NM_001286102.1).
Identifiers: ClinVar variation 3040587 (VCV003040587.2), dbSNP rs777001073, ClinGen allele CA3948210.
Genomic context (GRCh38, chr6:108,168,131, plus strand): 5'-GCGGCCGGAATGCAGAGCGGACCCTGGCCCAGGACTGGGTTTCCCTTTAGGCTCGGGCCT[A>T]CCCTGGCCCTCGCTGTTGGAATCTCCAGGAGGTAAAGCGACCTCGATTTTTGTTGCCCGC-3'

ClinVar aggregate classification (germline): Likely benign (0 of 4 stars; one submission).

Conditions:
NR2E1-related disorder. Also called: NR2E1-related condition.

Allele frequency attached by ClinVar (database versions not stated): gnomAD 0.00001; ExAC 0.00002.

Submission:

PreventionGenetics, part of Exact Sciences
Classification: Likely benign for NR2E1-related condition. Last evaluated: 2019-09-17. Review status: no assertion criteria provided. Collection method: clinical testing. Allele origin: germline.
Comment: This variant is classified as likely benign based on ACMG/AMP sequence variant interpretation guidelines (Richards et al. 2015 PMID: 25741868, with internal and published modifications).